The following is an entry in ClinVar:

ClinVar aggregate classification (germline): Uncertain significance. Review status: criteria provided, multiple submitters, no conflicts (2 of 4 stars). 2 submissions from 2 submitters: Uncertain significance (2). Last evaluated 2024-09-30.

Conditions:
Inborn genetic diseases. Identifiers: MedGen C0950123, MeSH D030342.

Allele frequency attached by ClinVar (database versions not stated): gnomAD exomes 0.00001 and 0.00005; ExAC 0.00013; gnomAD 0.00013 and 0.00014; TOPMed 0.00015; 1000 Genomes Project 30x 0.00016; 1000 Genomes Project 0.00020; ESP Exome Variant Server 0.00025.
gnomAD v4.1: 37 of 1,562,320 alleles (0.0024%); highest among the groups gnomAD compares: African/African-American, 0.04%; no homozygotes.

Submissions (2):

Ambry Genetics
Classification: Uncertain significance for Inborn genetic diseases. Last evaluated: 2024-09-30. Review status: criteria provided, single submitter. Criteria: Ambry Variant Classification Scheme 2023. Collection method: clinical testing. Allele origin: germline.

Labcorp Genetics (formerly Invitae), Labcorp
Classification: Uncertain significance. Last evaluated: 2023-11-29. Review status: criteria provided, single submitter. Criteria: Invitae Variant Classification Sherloc (09022015). Collection method: clinical testing. Allele origin: germline.
Comment: This sequence change replaces serine, which is neutral and polar, with asparagine, which is neutral and polar, at codon 2396 of the PCLO protein (p.Ser2396Asn). This variant is present in population databases (rs201480100, gnomAD 0.04%). This variant has not been reported in the literature in individuals affected with PCLO-related conditions. ClinVar contains an entry for this variant (Variation ID: 1378469). Experimental studies and prediction algorithms are not available or were not evaluated, and the functional significance of this variant is currently unknown. In summary, the available evidence is currently insufficient to determine the role of this variant in disease. Therefore, it has been classified as a Variant of Uncertain Significance.

NM_033026.6(PCLO):c.7187G>A (p.Ser2396Asn)

Gene: PCLO (piccolo presynaptic cytomatrix protein; minus strand). Cytogenetic location: 7q21.11.
Variant type: single nucleotide variant.
Coding change: c.7187G>A on transcript NM_033026.6 (MANE Select); coding-DNA position 7187, G replaced by A.
Protein change: p.Ser2396Asn; replaces serine 2396 with asparagine.
Molecular consequence: missense variant.
Genome position (GRCh38, 1-based): chr7:82,953,766, C>T on the plus strand (G>A on the coding strand, the complement: PCLO is on the minus strand). VCF-style: chr7-82953766-C-T. GRCh37 (hg19) VCF-style: chr7-82583082-C-T.
Other names: c.7187G>A, p.Ser2396Asn (NM_014510.3); c.7187G>A (NM_033026.5); short protein forms S2396N.
Identifiers: ClinVar variation 1378469 (VCV001378469.5), dbSNP rs201480100, ClinGen allele CA4320345.